The following is an entry in ClinVar:

ClinVar aggregate classification (germline): Likely benign (1 of 4 stars; one submission).

gnomAD v4.1: 12 of 1,554,146 alleles (0.00077%); highest among the groups gnomAD compares: Middle Eastern, 0.017%; no homozygotes.

Submission:

CeGaT Center for Human Genetics Tuebingen
Classification: Likely benign. Last evaluated: 2022-09-01. Review status: criteria provided, single submitter. Criteria: CeGaT Center For Human Genetics Tuebingen Variant Classification Criteria Version 2. Collection method: clinical testing. Allele origin: germline. Affected: yes. Observed: 1 variant allele.
Comment: SVEP1: BP4, BP7

NM_153366.4(SVEP1):c.198G>A (p.Gln66=)

Gene: SVEP1 (sushi, von Willebrand factor type A, EGF and pentraxin domain containing 1; minus strand). Cytogenetic location: 9q31.3.
Variant type: single nucleotide variant.
Coding change: c.198G>A on transcript NM_153366.4 (MANE Select); coding-DNA position 198, G replaced by A.
Protein change: p.Gln66=; no amino-acid change (glutamine 66 retained).
Molecular consequence: synonymous variant.
Genome position (GRCh38, 1-based): chr9:110,579,346, C>T on the plus strand (G>A on the coding strand, the complement: SVEP1 is on the minus strand). VCF-style: chr9-110579346-C-T. GRCh37 (hg19) VCF-style: chr9-113341626-C-T.
Identifiers: ClinVar variation 2659423 (VCV002659423.24), dbSNP rs967084758, ClinGen allele CA198354583.